The following is an entry in ClinVar:

NM_002476.2(MYL4):c.200C>T (p.Pro67Leu)

Gene: MYL4 (myosin light chain 4; plus strand). Cytogenetic location: 17q21.32.
Variant type: single nucleotide variant.
Coding change: c.200C>T on transcript NM_002476.2 (MANE Select); coding-DNA position 200, C replaced by T.
Protein change: p.Pro67Leu; replaces proline 67 with leucine.
Molecular consequence: missense variant.
Genome position (GRCh38, 1-based): chr17:47,219,940, C>T. VCF-style: chr17-47219940-C-T. GRCh37 (hg19) VCF-style: chr17-45297306-C-T.
Other names: c.200C>T, p.Pro67Leu (NM_001002841.2); short protein forms P67L.
Identifiers: ClinVar variation 2418791 (VCV002418791.6), dbSNP rs201579845, ClinGen allele CA8622676.

ClinVar aggregate classification (germline): Uncertain significance (1 of 4 stars; one submission).

Conditions:
Atrial fibrillation, familial, 18 (ATFB18). Identifiers: MedGen C4310636, MONDO:0015001, OMIM 617280.

Allele frequency attached by ClinVar (database versions not stated): gnomAD exomes 0.00001; TOPMed 0.00001; gnomAD 0.00002; ExAC 0.00005; ESP Exome Variant Server 0.00008; 1000 Genomes Project 30x 0.00016; 1000 Genomes Project 0.00020.
gnomAD v4.1: 16 of 1,614,180 alleles (0.00099%); highest among the groups gnomAD compares: East Asian, 0.011%; no homozygotes.

Submission:

Labcorp Genetics (formerly Invitae), Labcorp
Classification: Uncertain significance for Atrial fibrillation, familial, 18. Last evaluated: 2026-01-19. Review status: criteria provided, single submitter. Criteria: Invitae Variant Classification Sherloc (09022015). Collection method: clinical testing. Allele origin: germline.
Comment: This sequence change replaces proline, which is neutral and non-polar, with leucine, which is neutral and non-polar, at codon 67 of the MYL4 protein (p.Pro67Leu). This variant is present in population databases (rs201579845, gnomAD 0.02%). This variant has not been reported in the literature in individuals affected with MYL4-related conditions. ClinVar contains an entry for this variant (Variation ID: 2418791). An algorithm developed to predict the effect of missense changes on protein structure and function (PolyPhen-2) suggests that this variant is likely to be disruptive. In summary, the available evidence is currently insufficient to determine the role of this variant in disease. Therefore, it has been classified as a Variant of Uncertain Significance.